The following is an entry in ClinVar:

NM_001005373.4(LRSAM1):c.301G>A (p.Gly101Arg)

Gene: LRSAM1 (leucine rich repeat and sterile alpha motif containing 1; plus strand). Cytogenetic location: 9q33.3.
Variant type: single nucleotide variant.
Coding change: c.301G>A on transcript NM_001005373.4 (MANE Select); coding-DNA position 301, G replaced by A.
Protein change: p.Gly101Arg; replaces glycine 101 with arginine.
Molecular consequence: missense variant. On other transcripts: 5 prime UTR variant (1), non-coding transcript variant (2).
Genome position (GRCh38, 1-based): chr9:127,459,051, G>A. VCF-style: chr9-127459051-G-A. GRCh37 (hg19) VCF-style: chr9-130221330-G-A.
Other names: c.301G>A, p.Gly101Arg (NM_001005374.4, NM_001190723.3, NM_001384142.1 and 2 more transcripts); c.-484G>A (NM_001384144.1); short protein forms G101R.
Identifiers: ClinVar variation 1496013 (VCV001496013.6), dbSNP rs558871054, ClinGen allele CA5246491.
Genomic context (GRCh38, chr9:127,459,051, plus strand): 5'-TTTCTTCTGCAGGTTCTAGATCTCCACGATAATCAGCTGACAGCCCTTCCTGACGATCTG[G>A]GGCAGCTGACTGCCCTCCAGGTAAGGCTGCAGAAACAGAAACCCACCTCGGATGGCCTTA-3'
Protein context (NP_001005373.1, residues 91-111): NQLTALPDDL[Gly101Arg]QLTALQVLNV

ClinVar aggregate classification (germline): Uncertain significance (1 of 4 stars; one submission).

Conditions:
Charcot-Marie-Tooth disease axonal type 2P. Also called: CHARCOT-MARIE-TOOTH NEUROPATHY, TYPE 2P; Charcot-Marie-Tooth Neuropathy Type 2G; CHARCOT-MARIE-TOOTH DISEASE, AXONAL, TYPE 2G; CMT 2G. Identifiers: Orphanet 300319, Orphanet 99941, MedGen C3280797, MONDO:0013753, OMIM 614436.

Allele frequency attached by ClinVar (database versions not stated): TOPMed 0.00003.
gnomAD v4.1: 25 of 1,613,552 alleles (0.0015%); highest among the groups gnomAD compares: Admixed American, 0.042%; no homozygotes.

Submission:

Labcorp Genetics (formerly Invitae), Labcorp
Classification: Uncertain significance for Charcot-Marie-Tooth disease axonal type 2P. Last evaluated: 2024-09-03. Review status: criteria provided, single submitter. Criteria: Invitae Variant Classification Sherloc (09022015). Collection method: clinical testing. Allele origin: germline.
Comment: This sequence change replaces glycine, which is neutral and non-polar, with arginine, which is basic and polar, at codon 101 of the LRSAM1 protein (p.Gly101Arg). This variant is present in population databases (rs558871054, gnomAD 0.06%). This variant has not been reported in the literature in individuals affected with LRSAM1-related conditions. ClinVar contains an entry for this variant (Variation ID: 1496013). Invitae Evidence Modeling of protein sequence and biophysical properties (such as structural, functional, and spatial information, amino acid conservation, physicochemical variation, residue mobility, and thermodynamic stability) indicates that this missense variant is not expected to disrupt LRSAM1 protein function with a negative predictive value of 80%. In summary, the available evidence is currently insufficient to determine the role of this variant in disease. Therefore, it has been classified as a Variant of Uncertain Significance.